The following is an entry in ClinVar:

ClinVar aggregate classification (germline): Pathogenic/Likely pathogenic. Review status: criteria provided, multiple submitters, no conflicts (2 of 4 stars). 2 submissions from 2 submitters: Pathogenic (1); Likely pathogenic (1). Last evaluated 2025-11-18.

Conditions:
Cardiomyopathy (CMYO). Also called: Cardiomyopathies. Identifiers: Orphanet 167848, MedGen C0878544, MONDO:0004994, HP:0001638. Inheritance: Various modes of inheritance.

Allele frequency attached by ClinVar (database versions not stated): gnomAD exomes below 0.00001.

Submissions (2):

Petrovsky National Research Centre of Surgery, The Federal Agency for Scientific Organizations
Classification: Likely pathogenic for Cardiomyopathy. Last evaluated: 2025-11-18. Review status: criteria provided, single submitter. Criteria: ACMG Guidelines, 2015. Collection method: clinical testing. Allele origin: germline. Affected: yes.
Comment: The variant is present in The Genome Aggregation Database (gnomAD) v4.1.0 with a total MAF of 0.0000006195 and results in a frameshift with a premature stop codon, consistent with loss of function. In accordance with ACMG (2015) criteria, this variant is classified as Likely Pathogenic (Class IV) with the following criteria applied: PVS1_very strong, PM2_moderate.

Labcorp Genetics (formerly Invitae), Labcorp
Classification: Pathogenic. Last evaluated: 2023-10-29. Review status: criteria provided, single submitter. Criteria: Invitae Variant Classification Sherloc (09022015). Collection method: clinical testing. Allele origin: germline.
Comment: This sequence change creates a premature translational stop signal (p.Leu306Glufs*43) in the PPOX gene. It is expected to result in an absent or disrupted protein product. Loss-of-function variants in PPOX are known to be pathogenic (PMID: 10486317). This variant is not present in population databases (gnomAD no frequency). This premature translational stop signal has been observed in individual(s) with variegate porphyria (PMID: 12859407). ClinVar contains an entry for this variant (Variation ID: 2202872). For these reasons, this variant has been classified as Pathogenic.

Literature cited by the submitters: PubMed 10486317 (cited by Labcorp Genetics (formerly Invitae), Labcorp); PubMed 12859407 (cited by Labcorp Genetics (formerly Invitae), Labcorp).

NM_001122764.3(PPOX):c.916_917del (p.Leu306fs)

Gene: PPOX (protoporphyrinogen oxidase; plus strand). Cytogenetic location: 1q23.3.
Variant type: Deletion.
Coding change: c.916_917del on transcript NM_001122764.3 (MANE Select); coding-DNA positions 916 to 917, 2 bases deleted (CT; older notation c.916_917delCT).
Protein change: p.Leu306fs; shifts the reading frame from leucine 306.
Molecular consequence: frameshift variant.
Genome position (GRCh38, 1-based): chr1:161,169,953-161,169,954, CT deleted. VCF-style (leftmost placement, unchanged base first): chr1-161169952-CCT-C. GRCh37 (hg19) VCF-style: chr1-161139742-CCT-C.
Other names: c.916_917del, p.Leu306fs (NM_000309.5, NM_001365398.1, NM_001365399.1); c.817_818del, p.Leu273fs (NM_001350128.2); c.508_509del, p.Leu170fs (NM_001350129.2, NM_001365400.1); c.430_431del, p.Leu144fs (NM_001350130.2, NM_001350131.2, NM_001365401.1); short protein forms L170fs, L306fs, L144fs, L273fs.
Identifiers: ClinVar variation 2202872 (VCV002202872.5), dbSNP rs2525306943, ClinGen allele CA2580061337.